The following is an entry in ClinVar:

ClinVar aggregate classification (germline): Pathogenic (1 of 4 stars; one submission).

Submission:

Labcorp Genetics (formerly Invitae), Labcorp
Classification: Pathogenic. Last evaluated: 2022-12-29. Review status: criteria provided, single submitter. Criteria: Invitae Variant Classification Sherloc (09022015). Collection method: clinical testing. Allele origin: germline.
Comment: This variant is not present in population databases (gnomAD no frequency). For these reasons, this variant has been classified as Pathogenic. This variant has not been reported in the literature in individuals affected with MCM3AP-related conditions. This sequence change creates a premature translational stop signal (p.Phe575*) in the MCM3AP gene. It is expected to result in an absent or disrupted protein product. Loss-of-function variants in MCM3AP are known to be pathogenic (PMID: 28633435).

Literature cited by the submitters: PubMed 28633435.

NM_003906.5(MCM3AP):c.1724_1725del (p.Ser574_Phe575insTer)

Gene: MCM3AP (minichromosome maintenance complex component 3 associated protein; minus strand). Cytogenetic location: 21q22.3.
Variant type: Deletion.
Coding change: c.1724_1725del on transcript NM_003906.5 (MANE Select); coding-DNA positions 1724 to 1725, 2 bases deleted (TT; older notation c.1724_1725delTT).
Protein change: p.Ser574_Phe575insTer.
Molecular consequence: nonsense.
Genome position (GRCh38, 1-based): chr21:46,277,660-46,277,661, AA deleted on the plus strand (TT on the coding strand, the reverse complement: MCM3AP is on the minus strand); deleting any 2 consecutive bases within chr21:46,277,660-46,277,663 gives the same sequence; the c. name uses the placement nearest the transcript's 3' end. VCF-style (leftmost placement, unchanged base first): chr21-46277659-CAA-C. GRCh37 (hg19) VCF-style: chr21-47697573-CAA-C.
Identifiers: ClinVar variation 2979098 (VCV002979098.3), dbSNP rs2081272915, ClinGen allele CA2392590084.